The following is an entry in ClinVar:

ClinVar aggregate classification (germline): Uncertain significance. Review status: criteria provided, multiple submitters, no conflicts (2 of 4 stars). 3 submissions from 3 submitters: Uncertain significance (3). Last evaluated 2025-08-12.

Conditions:
Inborn genetic diseases. Identifiers: MedGen C0950123, MeSH D030342.
Brown-Vialetto-van Laere syndrome 1. Also called: BROWN-VIALETTO-VAN LAERE SYNDROME 1, MILD; BULBAR PALSY, PROGRESSIVE, WITH SENSORINEURAL DEAFNESS; PONTOBULBAR PALSY WITH DEAFNESS. Identifiers: Orphanet 572550, Orphanet 97229, MedGen C0796274, MONDO:0024537, OMIM 211530.
SLC52A3-related disorder. Also called: SLC52A3-related condition.

Allele frequency attached by ClinVar (database versions not stated): TOPMed 0.00005; gnomAD exomes 0.00006 and 0.00004; gnomAD 0.00003; ExAC 0.00005.
gnomAD v4.1: 87 of 1,613,914 alleles (0.0054%); highest among the groups gnomAD compares: Non-Finnish European, 0.007%; no homozygotes.

Submissions (3):

Ambry Genetics
Classification: Uncertain significance for Inborn genetic diseases. Last evaluated: 2025-08-12. Review status: criteria provided, single submitter. Criteria: Ambry Variant Classification Scheme 2023. Collection method: clinical testing. Allele origin: germline.

PreventionGenetics, part of Exact Sciences
Classification: Uncertain significance for SLC52A3-related condition. Last evaluated: 2025-04-23. Review status: criteria provided, single submitter. Criteria: ACMG Guidelines, 2015. Collection method: clinical testing. Allele origin: germline.
Comment: The SLC52A3 c.1177T>C variant is predicted to result in the amino acid substitution p.Trp393Arg. To our knowledge, this variant has not been reported in the literature. This variant is reported in 0.0089% of alleles in individuals of European (Non-Finnish) descent in gnomAD. At this time, the clinical significance of this variant is uncertain due to the absence of conclusive functional and genetic evidence.

Labcorp Genetics (formerly Invitae), Labcorp
Classification: Uncertain significance for Brown-Vialetto-van Laere syndrome 1. Last evaluated: 2022-10-24. Review status: criteria provided, single submitter. Criteria: Invitae Variant Classification Sherloc (09022015). Collection method: clinical testing. Allele origin: germline.
Comment: This sequence change replaces tryptophan, which is neutral and slightly polar, with arginine, which is basic and polar, at codon 393 of the SLC52A3 protein (p.Trp393Arg). This variant is present in population databases (rs762145813, gnomAD 0.009%). This variant has not been reported in the literature in individuals affected with SLC52A3-related conditions. ClinVar contains an entry for this variant (Variation ID: 951445). Algorithms developed to predict the effect of missense changes on protein structure and function (SIFT, PolyPhen-2, Align-GVGD) all suggest that this variant is likely to be tolerated. In summary, the available evidence is currently insufficient to determine the role of this variant in disease. Therefore, it has been classified as a Variant of Uncertain Significance.

NM_033409.4(SLC52A3):c.1177T>C (p.Trp393Arg)

Gene: SLC52A3 (solute carrier family 52 member 3; minus strand). Cytogenetic location: 20p13.
Variant type: single nucleotide variant.
Coding change: c.1177T>C on transcript NM_033409.4 (MANE Select); coding-DNA position 1177, T replaced by C.
Protein change: p.Trp393Arg; replaces tryptophan 393 with arginine.
Molecular consequence: missense variant.
Genome position (GRCh38, 1-based): chr20:761,721, A>G on the plus strand (T>C on the coding strand, the complement: SLC52A3 is on the minus strand). VCF-style: chr20-761721-A-G. GRCh37 (hg19) VCF-style: chr20-742365-A-G.
Other names: c.1177T>C, p.Trp393Arg (NM_001370085.1, NM_001370086.1); short protein forms W393R.
Identifiers: ClinVar variation 951445 (VCV000951445.7), dbSNP rs762145813, ClinGen allele CA9724577.